The following is an entry in ClinVar:

ClinVar aggregate classification (germline): Uncertain significance (1 of 4 stars; one submission).

Conditions:
RYR1-related disorder. Also called: RYR1-related condition; RYR1-related disorders. Identifiers: MedGen CN239331.

gnomAD v4.1: 1 of 1,610,884 alleles (0.000062%); highest among the groups gnomAD compares: Non-Finnish European, 0.000085%; no homozygotes.

Submission:

Labcorp Genetics (formerly Invitae), Labcorp
Classification: Uncertain significance for RYR1-related disorder. Last evaluated: 2022-08-13. Review status: criteria provided, single submitter. Criteria: Invitae Variant Classification Sherloc (09022015). Collection method: clinical testing. Allele origin: germline.
Comment: This sequence change replaces cysteine, which is neutral and slightly polar, with glycine, which is neutral and non-polar, at codon 1673 of the RYR1 protein (p.Cys1673Gly). This variant is not present in population databases (gnomAD no frequency). This variant has not been reported in the literature in individuals affected with RYR1-related conditions. Advanced modeling of protein sequence and biophysical properties (such as structural, functional, and spatial information, amino acid conservation, physicochemical variation, residue mobility, and thermodynamic stability) performed at Invitae indicates that this missense variant is expected to disrupt RYR1 protein function. In summary, the available evidence is currently insufficient to determine the role of this variant in disease. Therefore, it has been classified as a Variant of Uncertain Significance.

NM_000540.3(RYR1):c.5017T>G (p.Cys1673Gly)

Gene: RYR1 (ryanodine receptor 1; plus strand). Cytogenetic location: 19q13.2.
Variant type: single nucleotide variant.
Coding change: c.5017T>G on transcript NM_000540.3 (MANE Select); coding-DNA position 5017, T replaced by G.
Protein change: p.Cys1673Gly; replaces cysteine 1673 with glycine.
Molecular consequence: missense variant.
Genome position (GRCh38, 1-based): chr19:38,485,672, T>G. VCF-style: chr19-38485672-T-G. GRCh37 (hg19) VCF-style: chr19-38976312-T-G.
Other names: c.5017T>G, p.Cys1673Gly (NM_001042723.2); short protein forms C1673G.
Identifiers: ClinVar variation 2176731 (VCV002176731.1), dbSNP rs1568484165, ClinGen allele CA405653094.